The following is an entry in ClinVar:

ClinVar aggregate classification (germline): Uncertain significance (1 of 4 stars; one submission).

gnomAD v4.1: 2 of 1,613,622 alleles (0.00012%); highest among the groups gnomAD compares: South Asian, 0.0011%; no homozygotes.

Submission:

Labcorp Genetics (formerly Invitae), Labcorp
Classification: Uncertain significance. Last evaluated: 2025-06-22. Review status: criteria provided, single submitter. Criteria: Invitae Variant Classification Sherloc (09022015). Collection method: clinical testing. Allele origin: germline.
Comment: This sequence change replaces isoleucine, which is neutral and non-polar, with serine, which is neutral and polar, at codon 437 of the FZD4 protein (p.Ile437Ser). This variant is not present in population databases (gnomAD no frequency). This variant has not been reported in the literature in individuals affected with FZD4-related conditions. ClinVar contains an entry for this variant (Variation ID: 2815484). Invitae Evidence Modeling of protein sequence and biophysical properties (such as structural, functional, and spatial information, amino acid conservation, physicochemical variation, residue mobility, and thermodynamic stability) has been performed for this missense variant. However, the output from this modeling did not meet the statistical confidence thresholds required to predict the impact of this variant on FZD4 protein function. In summary, the available evidence is currently insufficient to determine the role of this variant in disease. Therefore, it has been classified as a Variant of Uncertain Significance.

NM_012193.4(FZD4):c.1310T>G (p.Ile437Ser)

Genes: FZD4 (frizzled class receptor 4; minus strand), PRSS23 (serine protease 23; plus strand). Cytogenetic location: 11q14.2.
Variant type: single nucleotide variant.
Coding change: c.1310T>G on transcript NM_012193.4 (MANE Select); coding-DNA position 1310, T replaced by G.
Protein change: p.Ile437Ser; replaces isoleucine 437 with serine.
Molecular consequence: missense variant. On other transcripts: non-coding transcript variant (2).
Genome position (GRCh38, 1-based): chr11:86,951,446, A>C on the plus strand (T>G on the coding strand, the complement: FZD4 is on the minus strand). VCF-style: chr11-86951446-A-C. GRCh37 (hg19) VCF-style: chr11-86662488-A-C.
Other names: short protein forms I437S.
Identifiers: ClinVar variation 2815484 (VCV002815484.3), dbSNP rs1329697206, ClinGen allele CA382011817.